The following is an entry in ClinVar:

NM_003573.2(LTBP4):c.10G>A (p.Val4Ile)

Gene: LTBP4 (latent transforming growth factor beta binding protein 4; plus strand). Cytogenetic location: 19q13.2.
Variant type: single nucleotide variant.
Coding change: c.10G>A on transcript NM_003573.2; coding-DNA position 10, G replaced by A.
Protein change: p.Val4Ile; replaces valine 4 with isoleucine.
Molecular consequence: missense variant.
Genome position (GRCh38, 1-based): chr19:40,593,175, G>A. VCF-style: chr19-40593175-G-A. GRCh37 (hg19) VCF-style: chr19-41099081-G-A.
Other names: short protein forms V4I.
Identifiers: ClinVar variation 432842 (VCV000432842.7), dbSNP rs140587664, ClinGen allele CA9447889.

ClinVar aggregate classification (germline): Uncertain significance (1 of 4 stars; one submission).

Allele frequency attached by ClinVar (database versions not stated): gnomAD 0.00013; TOPMed 0.00016; gnomAD exomes 0.00001 and 0.00004; ExAC 0.00004; 1000 Genomes Project 0.00020; ESP Exome Variant Server 0.00008; 1000 Genomes Project 30x 0.00016.
gnomAD v4.1: 29 of 1,613,852 alleles (0.0018%); highest among the groups gnomAD compares: African/African-American, 0.039%; no homozygotes.

Submission:

GeneDx
Classification: Uncertain significance. Last evaluated: 2023-02-23. Review status: criteria provided, single submitter. Criteria: GeneDx Variant Classification Process June 2021. Collection method: clinical testing. Allele origin: germline. Affected: yes.
Comment: Has not been previously published as pathogenic or benign to our knowledge; In silico analysis supports that this missense variant does not alter protein structure/function